The following is an entry in ClinVar:

ClinVar aggregate classification (germline): Uncertain significance (1 of 4 stars; one submission).

Allele frequency attached by ClinVar (database versions not stated): TOPMed below 0.00001; gnomAD exomes 0.00001.
gnomAD v4.1: 18 of 1,613,658 alleles (0.0011%); highest among the groups gnomAD compares: Non-Finnish European, 0.0014%; no homozygotes.

Submission:

GeneDx
Classification: Uncertain significance. Last evaluated: 2019-12-31. Review status: criteria provided, single submitter. Criteria: GeneDx Variant Classification Process June 2021. Collection method: clinical testing. Allele origin: germline. Affected: yes.
Comment: Not observed in large population cohorts (Lek et al., 2016); In silico analysis, which includes protein predictors and evolutionary conservation, supports that this variant does not alter protein structure/function; Has not been previously published as pathogenic or benign to our knowledge

NM_001024630.4(RUNX2):c.827C>G (p.Pro276Arg)

Gene: RUNX2 (RUNX family transcription factor 2; plus strand). Cytogenetic location: 6p21.1.
Variant type: single nucleotide variant.
Coding change: c.827C>G on transcript NM_001024630.4 (MANE Select); coding-DNA position 827, C replaced by G.
Protein change: p.Pro276Arg; replaces proline 276 with arginine.
Molecular consequence: missense variant.
Genome position (GRCh38, 1-based): chr6:45,492,082, C>G. VCF-style: chr6-45492082-C-G. GRCh37 (hg19) VCF-style: chr6-45459819-C-G.
Other names: c.827C>G, p.Pro276Arg (NM_001015051.4); c.785C>G, p.Pro262Arg (NM_001278478.2, NM_001369405.1); short protein forms P262R, P276R.
Identifiers: ClinVar variation 1311105 (VCV001311105.2), dbSNP rs1203966568, ClinGen allele CA363958486.